The following is an entry in ClinVar:

ClinVar aggregate classification (germline): Uncertain significance (1 of 4 stars; one submission).

Allele frequency attached by ClinVar (database versions not stated): gnomAD 0.00001; TOPMed 0.00001 and below 0.00001; gnomAD exomes below 0.00001.
gnomAD v4.1: 3 of 1,610,756 alleles (0.00019%); highest among the groups gnomAD compares: African/African-American, 0.0013%; no homozygotes.

Submission:

Laboratory for Molecular Medicine, Mass General Brigham Personalized Medicine
Classification: Uncertain significance. Last evaluated: 2013-08-22. Review status: criteria provided, single submitter. Criteria: LMM Criteria. Collection method: clinical testing. Allele origin: germline. Observed: 1 variant allele.
Comment: The His20211Asn variant in TTN has not been reported in individuals with cardiom yopathy or in large population studies. Computational analyses (biochemical amin o acid properties, conservation, AlignGVGD, PolyPhen2, and SIFT) do not provide strong support for or against an impact to the protein. Additional information i s needed to fully assess the clinical significance of the His20211Asn variant.

NM_001267550.2(TTN):c.68335C>A (p.His22779Asn)

Genes: TTN (titin; minus strand), TTN-AS1 (TTN antisense RNA 1; plus strand). Cytogenetic location: 2q31.2.
Variant type: single nucleotide variant.
Coding change: c.68335C>A on transcript NM_001267550.2 (MANE Select); coding-DNA position 68335, C replaced by A.
Protein change: p.His22779Asn; replaces histidine 22779 with asparagine.
Molecular consequence: missense variant.
Genome position (GRCh38, 1-based): chr2:178,578,180, G>T on the plus strand (C>A on the coding strand, the complement: TTN is on the minus strand). VCF-style: chr2-178578180-G-T. GRCh37 (hg19) VCF-style: chr2-179442907-G-T.
Other names: c.60631C>A, p.His20211Asn (NM_133378.4); c.63412C>A, p.His21138Asn (NM_001256850.1); c.41140C>A, p.His13714Asn (NM_003319.4); c.41515C>A, p.His13839Asn (NM_133432.3); c.41716C>A, p.His13906Asn (NM_133437.4); short protein forms H20211N, H22779N, H21138N, H13839N, H13714N, H13906N.
Identifiers: ClinVar variation 179199 (VCV000179199.5), dbSNP rs727504702, ClinGen allele CA183941.
Genomic context (GRCh38, chr2:178,578,180, plus strand): 5'-TTATCGGAGTCTTGTTAGCTCTCTTCCACAAAAGGCTGTTTCTTTCCTTGAACTCGAGAT[G>T]ATACCCTACAAAAGACCCAGGGATGTATCAAGTATAAATGCAGCTTGATTTTACAATATA-3'
Protein context (NP_001254479.2, residues 22769-22789): KTGGSPITGY[His22779Asn]LEFKERNSLL